The following is an entry in ClinVar:

NM_020738.4(KIDINS220):c.604-3del

Gene: KIDINS220 (kinase D interacting substrate 220; minus strand). Cytogenetic location: 2p25.1.
Variant type: Deletion.
Coding change: c.604-3del on transcript NM_020738.4 (MANE Select); 3 bases into the intron before coding-DNA position 604, one base deleted (T; older notation c.604-3delT).
Molecular consequence: intron variant.
Genome position (GRCh38, 1-based): chr2:8,803,130, A deleted on the plus strand (T on the coding strand, the reverse complement: KIDINS220 is on the minus strand); the first of 5 consecutive A bases (chr2:8,803,130-8,803,134); deleting any one gives the same sequence. VCF-style (leftmost placement, unchanged base first): chr2-8803129-TA-T. GRCh37 (hg19) VCF-style: chr2-8943259-TA-T.
Other names: c.604-3del (NM_001348741.2, NM_001348738.2, NM_001348742.2 and 3 more transcripts); c.607-3del (NM_001348739.2, NM_001348740.2, NM_001348734.2 and 3 more transcripts); c.478-3del (NM_001348736.2).
Identifiers: ClinVar variation 5000074 (VCV005000074.1).

ClinVar aggregate classification (germline): Likely benign (1 of 4 stars; one submission).

Conditions:
KIDINS220-related disorder. Also called: KIDINS220-related condition.

Submission:

PreventionGenetics, part of Exact Sciences
Classification: Likely benign for KIDINS220-related condition. Last evaluated: 2025-08-29. Review status: criteria provided, single submitter. Criteria: ACMG Guidelines, 2015. Collection method: clinical testing. Allele origin: germline.
Comment: This variant is classified as likely benign based on ACMG/AMP sequence variant interpretation guidelines (Richards et al. 2015 PMID: 25741868, with internal and published modifications).